The following is an entry in ClinVar:

ClinVar aggregate classification (germline): Uncertain significance (1 of 4 stars; one submission).

Conditions:
Hereditary spastic paraplegia 8 (SPG8). Also called: SPASTIC PARAPLEGIA 8, AUTOSOMAL DOMINANT. Identifiers: Orphanet 100989, MedGen C1863704, MONDO:0011339, OMIM 603563.
Ritscher-Schinzel syndrome. Also called: CRANIOCEREBELLOCARDIAC DYSPLASIA. Identifiers: Orphanet 7, MedGen C0796137, MONDO:0019078.

gnomAD v4.1: 1 of 1,611,836 alleles (0.000062%); no homozygotes.

Submission:

Labcorp Genetics (formerly Invitae), Labcorp
Classification: Uncertain significance for Ritscher-Schinzel syndrome; Hereditary spastic paraplegia 8. Last evaluated: 2024-01-19. Review status: criteria provided, single submitter. Criteria: Invitae Variant Classification Sherloc (09022015). Collection method: clinical testing. Allele origin: germline.
Comment: This sequence change replaces valine, which is neutral and non-polar, with methionine, which is neutral and non-polar, at codon 700 of the WASHC5 protein (p.Val700Met). This variant is not present in population databases (gnomAD no frequency). This variant has not been reported in the literature in individuals affected with WASHC5-related conditions. This missense change has been observed in at least one individual who was not affected with WASHC5-related conditions (Invitae). ClinVar contains an entry for this variant (Variation ID: 1489575). An algorithm developed to predict the effect of missense changes on protein structure and function (PolyPhen-2) suggests that this variant is likely to be disruptive. In summary, the available evidence is currently insufficient to determine the role of this variant in disease. Therefore, it has been classified as a Variant of Uncertain Significance.

NM_014846.4(WASHC5):c.2098G>A (p.Val700Met)

Gene: WASHC5 (WASH complex subunit 5; minus strand). Cytogenetic location: 8q24.13.
Variant type: single nucleotide variant.
Coding change: c.2098G>A on transcript NM_014846.4 (MANE Select); coding-DNA position 2098, G replaced by A.
Protein change: p.Val700Met; replaces valine 700 with methionine.
Molecular consequence: missense variant.
Genome position (GRCh38, 1-based): chr8:125,050,665, C>T on the plus strand (G>A on the coding strand, the complement: WASHC5 is on the minus strand). VCF-style: chr8-125050665-C-T. GRCh37 (hg19) VCF-style: chr8-126062907-C-T.
Other names: c.1654G>A, p.Val552Met (NM_001330609.2); short protein forms V552M, V700M.
Identifiers: ClinVar variation 1489575 (VCV001489575.8), dbSNP rs777613204, ClinGen allele CA372189711.